The following is an entry in ClinVar:

ClinVar aggregate classification (germline): Uncertain significance. Review status: criteria provided, multiple submitters, no conflicts (2 of 4 stars). 2 submissions from 2 submitters: Uncertain significance (2). Last evaluated 2026-07-18.

Conditions:
Hereditary cancer-predisposing syndrome. Also called: Hereditary Cancer Syndrome; Hereditary neoplastic syndrome; Neoplastic Syndromes, Hereditary; Tumor predisposition. Identifiers: Orphanet 140162, MedGen C0027672, MeSH D009386, MONDO:0015356.
Familial adenomatous polyposis 1 (FAP1). Also called: POLYPOSIS, ADENOMATOUS INTESTINAL; FAMILIAL ADENOMATOUS POLYPOSIS 1, ATTENUATED. Identifiers: MedGen C2713442, MONDO:0021056, OMIM 175100. Disease mechanism: loss of function.

Submissions (2):

Ambry Genetics
Classification: Uncertain significance for Hereditary cancer-predisposing syndrome. Last evaluated: 2026-07-18. Review status: criteria provided, single submitter. Criteria: Ambry Variant Classification Scheme 2023. Collection method: clinical testing. Allele origin: germline.
Comment: The p.P2806R variant (also known as c.8417C>G), located in coding exon 15 of the APC gene, results from a C to G substitution at nucleotide position 8417. The proline at codon 2806 is replaced by arginine, an amino acid with dissimilar properties. This amino acid position is conserved. In addition, in silico predictors for this gene do not accurately predict pathogenicity. Based on the available evidence, the clinical significance of this variant remains unclear.

Labcorp Genetics (formerly Invitae), Labcorp
Classification: Uncertain significance for Familial adenomatous polyposis 1. Last evaluated: 2024-12-10. Review status: criteria provided, single submitter. Criteria: Invitae Variant Classification Sherloc (09022015). Collection method: clinical testing. Allele origin: germline.
Comment: This sequence change replaces proline, which is neutral and non-polar, with arginine, which is basic and polar, at codon 2806 of the APC protein (p.Pro2806Arg). This variant is not present in population databases (gnomAD no frequency). This variant has not been reported in the literature in individuals affected with APC-related conditions. ClinVar contains an entry for this variant (Variation ID: 2792497). Invitae Evidence Modeling of protein sequence and biophysical properties (such as structural, functional, and spatial information, amino acid conservation, physicochemical variation, residue mobility, and thermodynamic stability) indicates that this missense variant is not expected to disrupt APC protein function with a negative predictive value of 95%. In summary, the available evidence is currently insufficient to determine the role of this variant in disease. Therefore, it has been classified as a Variant of Uncertain Significance.

NM_000038.6(APC):c.8417C>G (p.Pro2806Arg)

Gene: APC (APC regulator of Wnt signaling pathway; plus strand). Cytogenetic location: 5q22.2.
Variant type: single nucleotide variant.
Coding change: c.8417C>G on transcript NM_000038.6 (MANE Select); coding-DNA position 8417, C replaced by G.
Protein change: p.Pro2806Arg; replaces proline 2806 with arginine.
Molecular consequence: missense variant. On other transcripts: non-coding transcript variant (2).
Genome position (GRCh38, 1-based): chr5:112,844,011, C>G. VCF-style: chr5-112844011-C-G. GRCh37 (hg19) VCF-style: chr5-112179708-C-G.
Other names: c.8417C>G (NM_000038.5); c.8417C>G, p.Pro2806Arg (NM_001127510.3, NM_001354895.2, NM_001407450.1); c.8363C>G, p.Pro2788Arg (NM_001127511.3); c.8471C>G, p.Pro2824Arg (NM_001354896.2, NM_001407447.1, NM_001407448.1 and 1 more transcripts); c.8447C>G, p.Pro2816Arg (NM_001354897.2); c.8342C>G, p.Pro2781Arg (NM_001354898.2); c.8333C>G, p.Pro2778Arg (NM_001354899.2); c.8294C>G, p.Pro2765Arg (NM_001354900.2); and 12 more; short protein forms P2422R, P2646R, P2799R, P2824R, P2834R, P2523R, P2715R, P2747R.
Identifiers: ClinVar variation 2792497 (VCV002792497.4), dbSNP rs2150004976, ClinGen allele CA16039595.